The following is an entry in ClinVar:

NM_001378457.1(DMXL2):c.4445T>C (p.Ile1482Thr)

Gene: DMXL2 (Dmx like 2; minus strand). Cytogenetic location: 15q21.2.
Variant type: single nucleotide variant.
Coding change: c.4445T>C on transcript NM_001378457.1 (MANE Select); coding-DNA position 4445, T replaced by C.
Protein change: p.Ile1482Thr; replaces isoleucine 1482 with threonine.
Molecular consequence: missense variant. On other transcripts: non-coding transcript variant (2), intron variant (2).
Genome position (GRCh38, 1-based): chr15:51,498,779, A>G on the plus strand (T>C on the coding strand, the complement: DMXL2 is on the minus strand). VCF-style: chr15-51498779-A-G. GRCh37 (hg19) VCF-style: chr15-51790976-A-G.
Other names: c.4445T>C, p.Ile1482Thr (NM_001174116.3, NM_001378458.1, NM_001378459.1 and 4 more transcripts); c.4205T>C, p.Ile1402Thr (NM_001378464.1); c.2765-7032T>C (NM_001378460.1); c.2765-3645T>C (NM_001174117.3); short protein forms I1482T, I1402T.
Identifiers: ClinVar variation 4987383 (VCV004987383.1).

ClinVar aggregate classification (germline): Uncertain significance (1 of 4 stars; one submission).

Conditions:
DMXL2-related disorder. Also called: DMXL2-related condition.

gnomAD v4.1: 14 of 1,614,096 alleles (0.00087%); highest among the groups gnomAD compares: East Asian, 0.0022%; no homozygotes.

Submission:

PreventionGenetics, part of Exact Sciences
Classification: Uncertain significance for DMXL2-related condition. Last evaluated: 2025-02-05. Review status: criteria provided, single submitter. Criteria: ACMG Guidelines, 2015. Collection method: clinical testing. Allele origin: germline.
Comment: The DMXL2 c.4445T>C variant is predicted to result in the amino acid substitution p.Ile1482Thr. To our knowledge, this variant has not been reported in the literature. This variant is reported in 0.0033% of alleles in individuals of South Asian descent in gnomAD. At this time, the clinical significance of this variant is uncertain due to the absence of conclusive functional and genetic evidence.